The following is an entry in ClinVar:

NM_000092.5(COL4A4):c.292_293dup (p.Pro99fs)

Gene: COL4A4 (collagen type IV alpha 4 chain; minus strand). Cytogenetic location: 2q36.3.
Variant type: Duplication.
Coding change: c.292_293dup on transcript NM_000092.5 (MANE Select); coding-DNA positions 292 to 293, 2 bases duplicated (GG; older notation c.292_293dupGG).
Protein change: p.Pro99fs; shifts the reading frame from proline 99.
Molecular consequence: frameshift variant.
Genome position (GRCh38, 1-based): chr2:227,121,048-227,121,049, CC duplicated on the plus strand (GG on the coding strand, the reverse complement: COL4A4 is on the minus strand). VCF-style (leftmost placement, unchanged base first): chr2-227121047-G-GCC. GRCh37 (hg19) VCF-style: chr2-227985763-G-GCC.
Other names: short protein forms P99fs.
Identifiers: ClinVar variation 2009206 (VCV002009206.7), dbSNP rs2476238585, ClinGen allele CA2580065932.

ClinVar aggregate classification (germline): Pathogenic/Likely pathogenic. Review status: criteria provided, multiple submitters, no conflicts (2 of 4 stars). 3 submissions from 3 submitters: Pathogenic (1); Likely pathogenic (2). Last evaluated 2025-01-12.

Conditions:
Alport syndrome. Also called: Hemorrhagic familial nephritis; Hemorrhagic hereditary nephritis; Congenital hereditary hematuria. Identifiers: Orphanet 63, MedGen C1567741, MONDO:0018965.
Autosomal recessive Alport syndrome (ATS2). Also called: COL4A4 Alport Syndrome and Thin Basement Membrane Nephropathy; ALPORT SYNDROME 2, AUTOSOMAL RECESSIVE; Alport syndrome type 2; COL4A3-Related Nephropathy. Identifiers: Orphanet 63, Orphanet 88919, MedGen C4746745, MONDO:0008762, OMIM 203780.
Hematuria, benign familial, 1 (BFH1). Also called: THIN MEMBRANE NEPHROPATHY. Identifiers: MedGen CN376803, MONDO:0007709, OMIM 141200.

Submissions (3):

Natera, Inc.
Classification: Likely pathogenic for Alport syndrome. Last evaluated: 2025-01-12. Review status: criteria provided, single submitter. Criteria: Natera Variant Classification Schema (03/2026). Collection method: clinical testing. Allele origin: germline.
Comment: The c.292_293dup variant in COL4A4 is a frameshift variant predicted to shift the reading frame beginning at codon 99 and leads to a stop codon 23 codons downstream. This variant is expected to result in nonsense mediated decay, truncation, or a dysfunctional protein product. This variant is rare in the general population with a frequency below the threshold expected for the associated phenotype(s). Given the available evidence, this variant is classified as Likely Pathogenic.

Fulgent Genetics
Classification: Likely pathogenic for Hematuria, benign familial, 1; Autosomal recessive Alport syndrome. Last evaluated: 2024-01-27. Review status: criteria provided, single submitter. Criteria: ACMG Guidelines, 2015. Collection method: clinical testing. Allele origin: germline.

Labcorp Genetics (formerly Invitae), Labcorp
Classification: Pathogenic. Last evaluated: 2023-08-30. Review status: criteria provided, single submitter. Criteria: Invitae Variant Classification Sherloc (09022015). Collection method: clinical testing. Allele origin: germline.
Comment: This variant has not been reported in the literature in individuals affected with COL4A4-related conditions. This variant is not present in population databases (gnomAD no frequency). This sequence change creates a premature translational stop signal (p.Pro99Alafs*23) in the COL4A4 gene. It is expected to result in an absent or disrupted protein product. Loss-of-function variants in COL4A4 are known to be pathogenic (PMID: 21196518, 24854265, 25307543). ClinVar contains an entry for this variant (Variation ID: 2009206). For these reasons, this variant has been classified as Pathogenic.

Literature cited by the submitters: PubMed 21196518 (cited by Labcorp Genetics (formerly Invitae), Labcorp); PubMed 24854265 (cited by Labcorp Genetics (formerly Invitae), Labcorp); PubMed 25307543 (cited by Labcorp Genetics (formerly Invitae), Labcorp).